The following is an entry in ClinVar:

ClinVar aggregate classification (germline): Uncertain significance. Review status: criteria provided, multiple submitters, no conflicts (2 of 4 stars). 2 submissions from 2 submitters: Uncertain significance (2). Last evaluated 2025-10-07.

Conditions:
Inborn genetic diseases. Identifiers: MedGen C0950123, MeSH D030342.
Hereditary spastic paraplegia 75. Also called: Spastic paraplegia 75, autosomal recessive. Identifiers: Orphanet 459056, MedGen C4225250, MONDO:0014729, OMIM 616680.

Allele frequency attached by ClinVar (database versions not stated): gnomAD exomes 0.00003; TOPMed 0.00003; ExAC 0.00006; gnomAD 0.00003; ESP Exome Variant Server 0.00008.
gnomAD v4.1: 37 of 1,544,486 alleles (0.0024%); highest among the groups gnomAD compares: Non-Finnish European, 0.003%; no homozygotes.

Submissions (2):

Ambry Genetics
Classification: Uncertain significance for Inborn genetic diseases. Last evaluated: 2025-10-07. Review status: criteria provided, single submitter. Criteria: Ambry Variant Classification Scheme 2023. Collection method: clinical testing. Allele origin: germline.

Labcorp Genetics (formerly Invitae), Labcorp
Classification: Uncertain significance for Hereditary spastic paraplegia 75. Last evaluated: 2022-03-28. Review status: criteria provided, single submitter. Criteria: Invitae Variant Classification Sherloc (09022015). Collection method: clinical testing. Allele origin: germline.
Comment: This sequence change replaces glycine, which is neutral and non-polar, with cysteine, which is neutral and slightly polar, at codon 216 of the MAG protein (p.Gly216Cys). The frequency data for this variant in the population databases is considered unreliable, as metrics indicate poor data quality at this position in the gnomAD database. This variant has not been reported in the literature in individuals affected with MAG-related conditions. ClinVar contains an entry for this variant (Variation ID: 575785). Algorithms developed to predict the effect of missense changes on protein structure and function are either unavailable or do not agree on the potential impact of this missense change (SIFT: "Deleterious"; PolyPhen-2: "Probably Damaging"; Align-GVGD: "Class C0"). In summary, the available evidence is currently insufficient to determine the role of this variant in disease. Therefore, it has been classified as a Variant of Uncertain Significance.

NM_002361.4(MAG):c.646G>T (p.Gly216Cys)

Gene: MAG (myelin associated glycoprotein; plus strand). Cytogenetic location: 19q13.12.
Variant type: single nucleotide variant.
Coding change: c.646G>T on transcript NM_002361.4 (MANE Select); coding-DNA position 646, G replaced by T.
Protein change: p.Gly216Cys; replaces glycine 216 with cysteine.
Molecular consequence: missense variant.
Genome position (GRCh38, 1-based): chr19:35,299,784, G>T. VCF-style: chr19-35299784-G-T. GRCh37 (hg19) VCF-style: chr19-35790687-G-T.
Other names: c.571G>T, p.Gly191Cys (NM_001199216.2); c.646G>T, p.Gly216Cys (NM_080600.3); short protein forms G216C, G191C.
Identifiers: ClinVar variation 575785 (VCV000575785.10), dbSNP rs200984385, ClinGen allele CA9376064.